The following is an entry in ClinVar:

NM_001197104.2(KMT2A):c.9199G>T (p.Val3067Phe)

Gene: KMT2A (lysine methyltransferase 2A; plus strand). Cytogenetic location: 11q23.3.
Variant type: single nucleotide variant.
Coding change: c.9199G>T on transcript NM_001197104.2 (MANE Select); coding-DNA position 9199, G replaced by T.
Protein change: p.Val3067Phe; replaces valine 3067 with phenylalanine.
Molecular consequence: missense variant.
Genome position (GRCh38, 1-based): chr11:118,505,091, G>T. VCF-style: chr11-118505091-G-T. GRCh37 (hg19) VCF-style: chr11-118375806-G-T.
Other names: c.9289G>T, p.Val3097Phe (NM_001412597.1); c.9190G>T, p.Val3064Phe (NM_005933.4); short protein forms V3064F, V3067F, V3097F.
Identifiers: ClinVar variation 4806214 (VCV004806214.1).

ClinVar aggregate classification (germline): Uncertain significance (1 of 4 stars; one submission).

gnomAD v4.1: 7 of 1,614,022 alleles (0.00043%); highest among the groups gnomAD compares: Non-Finnish European, 0.00059%; no homozygotes.

Submission:

Labcorp Genetics (formerly Invitae), Labcorp
Classification: Uncertain significance. Last evaluated: 2025-08-31. Review status: criteria provided, single submitter. Criteria: Invitae Variant Classification Sherloc (09022015). Collection method: clinical testing. Allele origin: germline.
Comment: This sequence change replaces valine, which is neutral and non-polar, with phenylalanine, which is neutral and non-polar, at codon 3067 of the KMT2A protein (p.Val3067Phe). This variant is not present in population databases (gnomAD no frequency). This variant has not been reported in the literature in individuals affected with KMT2A-related conditions. Invitae Evidence Modeling of protein sequence and biophysical properties (such as structural, functional, and spatial information, amino acid conservation, physicochemical variation, residue mobility, and thermodynamic stability) indicates that this missense variant is not expected to disrupt KMT2A protein function with a negative predictive value of 95%. In summary, the available evidence is currently insufficient to determine the role of this variant in disease. Therefore, it has been classified as a Variant of Uncertain Significance.